The following is an entry in ClinVar:

ClinVar aggregate classification (germline): Uncertain significance (1 of 4 stars; one submission).

Allele frequency attached by ClinVar (database versions not stated): gnomAD exomes below 0.00001.
gnomAD v4.1: 1 of 1,612,828 alleles (0.000062%); highest among the groups gnomAD compares: East Asian, 0.0022%; no homozygotes.

Submission:

Labcorp Genetics (formerly Invitae), Labcorp
Classification: Uncertain significance. Last evaluated: 2022-12-28. Review status: criteria provided, single submitter. Criteria: Invitae Variant Classification Sherloc (09022015). Collection method: clinical testing. Allele origin: germline.
Comment: This sequence change replaces proline, which is neutral and non-polar, with arginine, which is basic and polar, at codon 1169 of the RAI1 protein (p.Pro1169Arg). This variant is not present in population databases (gnomAD no frequency). This variant has not been reported in the literature in individuals affected with RAI1-related conditions. Advanced modeling of protein sequence and biophysical properties (such as structural, functional, and spatial information, amino acid conservation, physicochemical variation, residue mobility, and thermodynamic stability) performed at Invitae indicates that this missense variant is not expected to disrupt RAI1 protein function. In summary, the available evidence is currently insufficient to determine the role of this variant in disease. Therefore, it has been classified as a Variant of Uncertain Significance.

NM_030665.4(RAI1):c.3506C>G (p.Pro1169Arg)

Gene: RAI1 (retinoic acid induced 1; plus strand). Cytogenetic location: 17p11.2.
Variant type: single nucleotide variant.
Coding change: c.3506C>G on transcript NM_030665.4 (MANE Select); coding-DNA position 3506, C replaced by G.
Protein change: p.Pro1169Arg; replaces proline 1169 with arginine.
Molecular consequence: missense variant.
Genome position (GRCh38, 1-based): chr17:17,796,454, C>G. VCF-style: chr17-17796454-C-G. GRCh37 (hg19) VCF-style: chr17-17699768-C-G.
Other names: short protein forms P1169R.
Identifiers: ClinVar variation 2824298 (VCV002824298.3), dbSNP rs2508587340, ClinGen allele CA398554355.